The following is an entry in ClinVar:

ClinVar aggregate classification (germline): Uncertain significance. Review status: criteria provided, single submitter (1 of 4 stars). 2 submissions from 2 submitters: Uncertain significance (1). 1 of the submissions does not count toward it. Last evaluated 2024-08-06.

Conditions:
Nemaline myopathy 2 (NEM2). Also called: Nemaline myopathy 2, autosomal recessive. Identifiers: MedGen C1850569, MONDO:0009725, OMIM 256030.

Allele frequency attached by ClinVar (database versions not stated): gnomAD exomes below 0.00001 and 0.00001; ExAC 0.00001.

Submissions (2):

GeneDx
Classification: Uncertain significance. Last evaluated: 2024-08-06. Review status: criteria provided, single submitter. Criteria: GeneDx Variant Classification Process June 2021. Collection method: clinical testing. Allele origin: germline. Affected: yes.
Comment: Not observed at significant frequency in large population cohorts (gnomAD); In silico analysis supports that this missense variant has a deleterious effect on protein structure/function; Has not been previously published as pathogenic or benign to our knowledge

Natera, Inc.
Classification: Uncertain significance for Nemaline myopathy type 2. Last evaluated: 2021-04-28. Review status: no assertion criteria provided. Collection method: clinical testing. Allele origin: germline. Not counted in ClinVar's aggregate classification.

NM_001164508.2(NEB):c.4160T>C (p.Met1387Thr)

Gene: NEB (nebulin; minus strand). Cytogenetic location: 2q23.3.
Variant type: single nucleotide variant.
Coding change: c.4160T>C on transcript NM_001164508.2 (MANE Select); coding-DNA position 4160, T replaced by C.
Protein change: p.Met1387Thr; replaces methionine 1387 with threonine.
Molecular consequence: missense variant.
Genome position (GRCh38, 1-based): chr2:151,672,508, A>G on the plus strand (T>C on the coding strand, the complement: NEB is on the minus strand). VCF-style: chr2-151672508-A-G. GRCh37 (hg19) VCF-style: chr2-152529022-A-G.
Other names: c.4160T>C, p.Met1387Thr (NM_001164507.2, NM_001271208.2, NM_004543.5); short protein forms M1387T.
Identifiers: ClinVar variation 1187655 (VCV001187655.4), dbSNP rs760822809, ClinGen allele CA1910706.
Genomic context (GRCh38, chr2:151,672,508, plus strand): 5'-TGTTTGTAGTTGACATTGGTAGCGACATCCTGGGCCATCTTTGCAGCTGTGATGCTAACC[A>G]TGTCCCCAGGGGTATGGTAGCTGGTTTTGGTGTTCTCATAGTTCTTCTTGTATTCACGAT-3'
Protein context (NP_001157980.2, residues 1377-1397): TKTSYHTPGD[Met1387Thr]VSITAAKMAQ